The following is an entry in ClinVar:

NM_001007157.2(PHF14):c.964T>G (p.Cys322Gly)

Gene: PHF14 (PHD finger protein 14; plus strand). Cytogenetic location: 7p21.3.
Variant type: single nucleotide variant.
Coding change: c.964T>G on transcript NM_001007157.2 (MANE Select); coding-DNA position 964, T replaced by G.
Protein change: p.Cys322Gly; replaces cysteine 322 with glycine.
Molecular consequence: missense variant. On other transcripts: non-coding transcript variant (2).
Genome position (GRCh38, 1-based): chr7:10,990,766, T>G. VCF-style: chr7-10990766-T-G. GRCh37 (hg19) VCF-style: chr7-11030393-T-G.
Other names: c.964T>G, p.Cys322Gly (NM_014660.4); short protein forms C322G.
Identifiers: ClinVar variation 1251926 (VCV001251926.1), dbSNP rs2128310303, ClinGen allele CA366848252.
Genomic context (GRCh38, chr7:10,990,766, plus strand): 5'-TCGCTGATTCTTGAGAAGAGTCAAAACTGGAGCTCTCAAAAAATGGACCATATTCTGATT[T>G]GCTGTGTTTGTCTGGGAGATAATAGTGAGGACGCTGATGAAATAATTCAGTGTGACAATT-3'
Protein context (NP_001007158.1, residues 312-332): SSQKMDHILI[Cys322Gly]CVCLGDNSED

ClinVar aggregate classification (germline): Uncertain significance (1 of 4 stars; one submission).

Submission:

HudsonAlpha Institute for Biotechnology
Classification: Uncertain significance. Last evaluated: 2020-10-28. Review status: criteria provided, single submitter. Criteria: ACMG Guidelines, 2015. Collection method: research. Allele origin: de novo. Observed: 1 variant allele. Study: HudsonAlpha-AGHI-WGS.
Comment: ACMG codes:PM2,PP3